The following is an entry in ClinVar:

ClinVar aggregate classification (germline): Uncertain significance (1 of 4 stars; one submission).

Conditions:
Hereditary cancer-predisposing syndrome. Also called: Neoplastic Syndromes, Hereditary; Tumor predisposition; Hereditary Cancer Syndrome; Hereditary neoplastic syndrome. Identifiers: Orphanet 140162, MedGen C0027672, MeSH D009386, MONDO:0015356.

Submission:

Ambry Genetics
Classification: Uncertain significance for Hereditary cancer-predisposing syndrome. Last evaluated: 2024-06-26. Review status: criteria provided, single submitter. Criteria: Ambry Variant Classification Scheme 2023. Collection method: clinical testing. Allele origin: germline.
Comment: The p.F567S variant (also known as c.1700T>C), located in coding exon 16 of the POLE gene, results from a T to C substitution at nucleotide position 1700. The phenylalanine at codon 567 is replaced by serine, an amino acid with highly dissimilar properties. This amino acid position is conserved. In addition, the in silico prediction for this alteration is inconclusive. Based on the available evidence, the clinical significance of this variant remains unclear.

NM_006231.4(POLE):c.1700T>C (p.Phe567Ser)

Gene: POLE (DNA polymerase epsilon, catalytic subunit; minus strand). Cytogenetic location: 12q24.33.
Variant type: single nucleotide variant.
Coding change: c.1700T>C on transcript NM_006231.4 (MANE Select); coding-DNA position 1700, T replaced by C.
Protein change: p.Phe567Ser; replaces phenylalanine 567 with serine.
Molecular consequence: missense variant.
Genome position (GRCh38, 1-based): chr12:132,672,309, A>G on the plus strand (T>C on the coding strand, the complement: POLE is on the minus strand). VCF-style: chr12-132672309-A-G. GRCh37 (hg19) VCF-style: chr12-133248895-A-G.
Other names: short protein forms F567S.
Identifiers: ClinVar variation 3422099 (VCV003422099.1).